The following is an entry in ClinVar:

NM_000209.4(PDX1):c.646G>A (p.Gly216Arg)

Gene: PDX1 (pancreatic and duodenal homeobox 1; plus strand). Cytogenetic location: 13q12.2.
Variant type: single nucleotide variant.
Coding change: c.646G>A on transcript NM_000209.4 (MANE Select); coding-DNA position 646, G replaced by A.
Protein change: p.Gly216Arg; replaces glycine 216 with arginine.
Molecular consequence: missense variant.
Genome position (GRCh38, 1-based): chr13:27,924,495, G>A. VCF-style: chr13-27924495-G-A. GRCh37 (hg19) VCF-style: chr13-28498632-G-A.
Other names: short protein forms G216R.
Identifiers: ClinVar variation 4768978 (VCV004768978.1).

ClinVar aggregate classification (germline): Uncertain significance (1 of 4 stars; one submission).

gnomAD v4.1: 5 of 1,611,950 alleles (0.00031%); highest among the groups gnomAD compares: Non-Finnish European, 0.00042%; no homozygotes.

Submission:

Labcorp Genetics (formerly Invitae), Labcorp
Classification: Uncertain significance. Last evaluated: 2025-09-15. Review status: criteria provided, single submitter. Criteria: Invitae Variant Classification Sherloc (09022015). Collection method: clinical testing. Allele origin: germline.
Comment: This sequence change replaces glycine, which is neutral and non-polar, with arginine, which is basic and polar, at codon 216 of the PDX1 protein (p.Gly216Arg). This variant is not present in population databases (gnomAD no frequency). This missense change has been observed in individual(s) with maturity onset diabetes of the young (internal data). It has also been observed to segregate with disease in related individuals. Invitae Evidence Modeling of protein sequence and biophysical properties (such as structural, functional, and spatial information, amino acid conservation, physicochemical variation, residue mobility, and thermodynamic stability) indicates that this missense variant is not expected to disrupt PDX1 protein function with a negative predictive value of 80%. In summary, the available evidence is currently insufficient to determine the role of this variant in disease. Therefore, it has been classified as a Variant of Uncertain Significance.